The following is an entry in ClinVar:

ClinVar aggregate classification (germline): Uncertain significance (1 of 4 stars; one submission).

Allele frequency attached by ClinVar (database versions not stated): TOPMed below 0.00001; gnomAD 0.00001; gnomAD exomes 0.00001.
gnomAD v4.1: 12 of 1,603,584 alleles (0.00075%); highest among the groups gnomAD compares: Admixed American, 0.007%; no homozygotes.

Submission:

Labcorp Genetics (formerly Invitae), Labcorp
Classification: Uncertain significance. Last evaluated: 2022-03-26. Review status: criteria provided, single submitter. Criteria: Invitae Variant Classification Sherloc (09022015). Collection method: clinical testing. Allele origin: germline.
Comment: In summary, the available evidence is currently insufficient to determine the role of this variant in disease. Therefore, it has been classified as a Variant of Uncertain Significance. Experimental studies and prediction algorithms are not available or were not evaluated, and the effect of this variant on mRNA splicing is currently unknown. This variant has not been reported in the literature in individuals affected with IKZF1-related conditions. This variant is present in population databases (no rsID available, gnomAD 0.003%). This sequence change falls in intron 7 of the IKZF1 gene. It does not directly change the encoded amino acid sequence of the IKZF1 protein.

NM_006060.6(IKZF1):c.851-14C>G

Gene: IKZF1 (IKAROS family zinc finger 1; plus strand). Cytogenetic location: 7p12.2.
Variant type: single nucleotide variant.
Coding change: c.851-14C>G on transcript NM_006060.6 (MANE Select); 14 bases into the intron before coding-DNA position 851, C replaced by G.
Molecular consequence: intron variant.
Genome position (GRCh38, 1-based): chr7:50,399,904, C>G. VCF-style: chr7-50399904-C-G. GRCh37 (hg19) VCF-style: chr7-50467602-C-G.
Other names: c.464-14C>G (NM_001291839.2); c.725-14C>G (NM_001220765.3, NM_001291837.2); c.590-14C>G (NM_001291838.2, NM_001220768.2); c.422-14C>G (NM_001220771.2, NM_001291841.1); c.560-14C>G (NM_001220767.2); c.434-14C>G (NM_001220770.2); c.392-14C>G (NM_001291842.1); c.296-14C>G (NM_001291843.1); and 2 more.
Identifiers: ClinVar variation 1976545 (VCV001976545.5), dbSNP rs1294737383, ClinGen allele CA574291862.